The following is an entry in ClinVar:

NM_000214.3(JAG1):c.2345-10T>G

Gene: JAG1 (jagged canonical Notch ligand 1; minus strand). Cytogenetic location: 20p12.2.
Variant type: single nucleotide variant.
Coding change: c.2345-10T>G on transcript NM_000214.3 (MANE Select); 10 bases into the intron before coding-DNA position 2345, T replaced by G.
Molecular consequence: intron variant.
Genome position (GRCh38, 1-based): chr20:10,644,394, A>C on the plus strand (T>G on the coding strand, the complement: JAG1 is on the minus strand). VCF-style: chr20-10644394-A-C. GRCh37 (hg19) VCF-style: chr20-10625042-A-C.
Other names: c.2345-10T>G (NM_000214.2).
Identifiers: ClinVar variation 1562213 (VCV001562213.11), dbSNP rs752854231, ClinGen allele CA9764531.

ClinVar aggregate classification (germline): Likely benign. Review status: criteria provided, multiple submitters, no conflicts (2 of 4 stars). 3 submissions from 3 submitters: Likely benign (2). 1 of the submissions does not count toward it. Last evaluated 2025-09-02.

Conditions:
Alagille syndrome due to a JAG1 point mutation. Also called: HEPATIC DUCTULAR HYPOPLASIA, SYNDROMATIC; JAG1-Related Alagille Syndrome; Alagille Syndrome 1. Identifiers: Orphanet 261619, Orphanet 52, MedGen C1956125, MONDO:0016862, OMIM 118450.
JAG1-related disorder. Also called: JAG1-related condition; JAG1-related disorders.
Tetralogy of Fallot (TOF). Identifiers: Orphanet 3303, MedGen C0039685, MONDO:0008542, OMIM 187500, HP:0001636.
Deafness, congenital heart defects, and posterior embryotoxon (DCHE). Identifiers: MedGen C1866053, MONDO:0060713, OMIM 617992.
Charcot-Marie-Tooth disease, axonal, Type 2HH. Also called: CHARCOT-MARIE-TOOTH NEUROPATHY, TYPE 2HH. Identifiers: MedGen C5562003, MONDO:0030458, OMIM 619574.

Allele frequency attached by ClinVar (database versions not stated): TOPMed below 0.00001; gnomAD exomes 0.00001; ExAC 0.00003.
gnomAD v4.1: 13 of 1,612,310 alleles (0.00081%); highest among the groups gnomAD compares: Admixed American, 0.0017%; no homozygotes.

Submissions (3):

Labcorp Genetics (formerly Invitae), Labcorp
Classification: Likely benign for Alagille syndrome due to a JAG1 point mutation. Last evaluated: 2025-09-02. Review status: criteria provided, single submitter. Criteria: Invitae Variant Classification Sherloc (09022015). Collection method: clinical testing. Allele origin: germline.

Fulgent Genetics
Classification: Likely benign for Alagille syndrome due to a JAG1 point mutation; Tetralogy of Fallot; Deafness, congenital heart defects, and posterior embryotoxon; Charcot-Marie-Tooth disease, axonal, Type 2HH. Last evaluated: 2022-05-23. Review status: criteria provided, single submitter. Criteria: ACMG Guidelines, 2015. Collection method: clinical testing. Allele origin: unknown.

PreventionGenetics, part of Exact Sciences
Classification: Likely benign for JAG1-related condition. Last evaluated: 2022-09-01. Review status: no assertion criteria provided. Collection method: clinical testing. Allele origin: germline. Not counted in ClinVar's aggregate classification.
Comment: This variant is classified as likely benign based on ACMG/AMP sequence variant interpretation guidelines (Richards et al. 2015 PMID: 25741868, with internal and published modifications).